The following is an entry in ClinVar:

NM_000136.3(FANCC):c.797G>A (p.Arg266Lys)

Genes: AOPEP (aminopeptidase O (putative); plus strand), FANCC (FA complementation group C; minus strand). Cytogenetic location: 9q22.32.
Variant type: single nucleotide variant.
Coding change: c.797G>A on transcript NM_000136.3 (MANE Select); coding-DNA position 797, G replaced by A.
Protein change: p.Arg266Lys; replaces arginine 266 with lysine.
Molecular consequence: missense variant.
Genome position (GRCh38, 1-based): chr9:95,135,392, C>T on the plus strand (G>A on the coding strand, the complement: FANCC is on the minus strand). VCF-style: chr9-95135392-C-T. GRCh37 (hg19) VCF-style: chr9-97897674-C-T.
Other names: c.797G>A, p.Arg266Lys (NM_001243743.2, NM_001243744.2); short protein forms R266K.
Identifiers: ClinVar variation 2828213 (VCV002828213.3), dbSNP rs2541400331, ClinGen allele CA374109265.
Genomic context (GRCh38, chr9:95,135,392, plus strand): 5'-AACCCAGTACGTACCAGCGATGAATCTTTTATAAAGCATTCGATCCTTCTCAGACAATTT[C>T]TCTCACTGGAGATTAGCTTTTCAAAAAGATGCAGCATTGCTTTTTCAAGGCTGGGAAGGT-3'
Protein context (NP_000127.2, residues 256-276): HLFEKLISSE[Arg266Lys]NCLRRIECFI

ClinVar aggregate classification (germline): Uncertain significance (1 of 4 stars; one submission).

Conditions:
Fanconi anemia (FA). Also called: Fanconi's anemia. Identifiers: Orphanet 84, MedGen C0015625, MeSH D005199, MONDO:0019391.

Submission:

Labcorp Genetics (formerly Invitae), Labcorp
Classification: Uncertain significance for Fanconi anemia. Last evaluated: 2023-01-13. Review status: criteria provided, single submitter. Criteria: Invitae Variant Classification Sherloc (09022015). Collection method: clinical testing. Allele origin: germline.
Comment: This sequence change replaces arginine, which is basic and polar, with lysine, which is basic and polar, at codon 266 of the FANCC protein (p.Arg266Lys). In summary, the available evidence is currently insufficient to determine the role of this variant in disease. Therefore, it has been classified as a Variant of Uncertain Significance. Advanced modeling of protein sequence and biophysical properties (such as structural, functional, and spatial information, amino acid conservation, physicochemical variation, residue mobility, and thermodynamic stability) has been performed at Invitae for this missense variant, however the output from this modeling did not meet the statistical confidence thresholds required to predict the impact of this variant on FANCC protein function. This variant has not been reported in the literature in individuals affected with FANCC-related conditions. This variant is not present in population databases (gnomAD no frequency).